The following is an entry in ClinVar:

NM_000553.6(WRN):c.3735T>A (p.Ser1245Arg)

Gene: WRN (WRN RecQ like helicase; plus strand). Cytogenetic location: 8p12.
Variant type: single nucleotide variant.
Coding change: c.3735T>A on transcript NM_000553.6 (MANE Select); coding-DNA position 3735, T replaced by A.
Protein change: p.Ser1245Arg; replaces serine 1245 with arginine.
Molecular consequence: missense variant.
Genome position (GRCh38, 1-based): chr8:31,154,671, T>A. VCF-style: chr8-31154671-T-A. GRCh37 (hg19) VCF-style: chr8-31012187-T-A.
Other names: short protein forms S1245R.
Identifiers: ClinVar variation 3630467 (VCV003630467.2).

ClinVar aggregate classification (germline): Uncertain significance (1 of 4 stars; one submission).

Conditions:
Werner syndrome (WRN). Identifiers: Orphanet 902, MedGen C0043119, MONDO:0010196, OMIM 277700.

gnomAD v4.1: 2 of 1,613,444 alleles (0.00012%); highest among the groups gnomAD compares: Non-Finnish European, 0.00017%; no homozygotes.

Submission:

Labcorp Genetics (formerly Invitae), Labcorp
Classification: Uncertain significance for Werner syndrome. Last evaluated: 2024-09-08. Review status: criteria provided, single submitter. Criteria: Invitae Variant Classification Sherloc (09022015). Collection method: clinical testing. Allele origin: germline.
Comment: This sequence change replaces serine, which is neutral and polar, with arginine, which is basic and polar, at codon 1245 of the WRN protein (p.Ser1245Arg). This variant is not present in population databases (gnomAD no frequency). This variant has not been reported in the literature in individuals affected with WRN-related conditions. An algorithm developed to predict the effect of missense changes on protein structure and function (PolyPhen-2) suggests that this variant is likely to be tolerated. In summary, the available evidence is currently insufficient to determine the role of this variant in disease. Therefore, it has been classified as a Variant of Uncertain Significance.